The following is an entry in ClinVar:

NM_001348768.2(HECW2):c.2858T>C (p.Met953Thr)

Gene: HECW2 (HECT, C2 and WW domain containing E3 ubiquitin protein ligase 2; minus strand). Cytogenetic location: 2q32.3.
Variant type: single nucleotide variant.
Coding change: c.2858T>C on transcript NM_001348768.2 (MANE Select); coding-DNA position 2858, T replaced by C.
Protein change: p.Met953Thr; replaces methionine 953 with threonine.
Molecular consequence: missense variant.
Genome position (GRCh38, 1-based): chr2:196,292,707, A>G on the plus strand (T>C on the coding strand, the complement: HECW2 is on the minus strand). VCF-style: chr2-196292707-A-G. GRCh37 (hg19) VCF-style: chr2-197157431-A-G.
Other names: c.1790T>C, p.Met597Thr (NM_001304840.3); c.2858T>C, p.Met953Thr (NM_020760.4); short protein forms M597T, M953T.
Identifiers: ClinVar variation 4977146 (VCV004977146.1).
Genomic context (GRCh38, chr2:196,292,707, plus strand): 5'-AGGTCGCGGTTATGCTGGTAGCGTTCAAAGTGGTGGGTGTCCCTCCGGACTTTGGTGATC[A>G]TGTGCTTCAAACACGTGTTGTTTGTAAACATGCGGTAGGCACTCTAAAGAAAAGAATGGA-3'
Protein context (NP_001335697.1, residues 943-963): MFTNNTCLKH[Met953Thr]ITKVRRDTHH

ClinVar aggregate classification (germline): Uncertain significance (1 of 4 stars; one submission).

Conditions:
HECW2-related disorder. Also called: HECW2-related condition.

gnomAD v4.1: 4 of 1,613,904 alleles (0.00025%); highest among the groups gnomAD compares: Non-Finnish European, 0.00034%; no homozygotes.

Submission:

PreventionGenetics, part of Exact Sciences
Classification: Uncertain significance for HECW2-related condition. Last evaluated: 2026-02-17. Review status: criteria provided, single submitter. Criteria: ACMG Guidelines, 2015. Collection method: clinical testing. Allele origin: germline.
Comment: The HECW2 c.2858T>C variant is predicted to result in the amino acid substitution p.Met953Thr. To our knowledge, this variant has not been reported in the literature or in a large population database, indicating this variant is rare. Although we suspect that this variant may be benign, at this time, the clinical significance of this variant is uncertain due to the absence of conclusive functional and genetic evidence.